The following is an entry in ClinVar:

NM_152419.3(HGSNAT):c.1441G>T (p.Val481Leu)

Gene: HGSNAT (heparan-alpha-glucosaminide N-acetyltransferase; plus strand). Cytogenetic location: 8p11.21.
Variant type: single nucleotide variant.
Coding change: c.1441G>T on transcript NM_152419.3 (MANE Select); coding-DNA position 1441, G replaced by T.
Protein change: p.Val481Leu; replaces valine 481 with leucine.
Molecular consequence: missense variant.
Genome position (GRCh38, 1-based): chr8:43,193,820, G>T. VCF-style: chr8-43193820-G-T. GRCh37 (hg19) VCF-style: chr8-43048963-G-T.
Other names: c.1441G>T, p.Val481Leu (NM_001363227.2); c.1249G>T, p.Val417Leu (NM_001363228.2); c.577G>T, p.Val193Leu (NM_001363229.2); short protein forms V193L, V417L, V481L.
Identifiers: ClinVar variation 1020636 (VCV001020636.3), dbSNP rs746875137, ClinGen allele CA4736879.

ClinVar aggregate classification (germline): Uncertain significance. Review status: criteria provided, single submitter (1 of 4 stars). 2 submissions from 2 submitters: Uncertain significance (1). 1 of the submissions does not count toward it. Last evaluated 2022-09-27.

Conditions:
Mucopolysaccharidosis, MPS-III-C (MPS3C). Also called: MPS IIIC (Sanfilippo Syndrome Type C); MUCOPOLYSACCHARIDOSIS, TYPE IIIC; Mucopolysaccharidosis type IIIC (Sanfilippo C); mucopolysaccharidosis type 3C; SANFILIPPO SYNDROME C; MPS III C. Identifiers: Orphanet 581, Orphanet 79271, MedGen C0086649, MONDO:0009657, OMIM 252930.
Retinitis pigmentosa 73 (RP73). Identifiers: Orphanet 791, MedGen C4225287, MONDO:0014687, OMIM 616544.

Allele frequency attached by ClinVar (database versions not stated): ExAC 0.00001; gnomAD 0.00003; TOPMed 0.00003.
gnomAD v4.1: 4 of 1,613,528 alleles (0.00025%); highest among the groups gnomAD compares: African/African-American, 0.0053%; no homozygotes.

Submissions (2):

Labcorp Genetics (formerly Invitae), Labcorp
Classification: Uncertain significance for Retinitis pigmentosa 73; Mucopolysaccharidosis, MPS-III-C. Last evaluated: 2022-09-27. Review status: criteria provided, single submitter. Criteria: Invitae Variant Classification Sherloc (09022015). Collection method: clinical testing. Allele origin: germline.
Comment: This sequence change replaces valine, which is neutral and non-polar, with leucine, which is neutral and non-polar, at codon 481 of the HGSNAT protein (p.Val481Leu). This variant is present in population databases (rs746875137, gnomAD 0.007%). This missense change has been observed in individual(s) with clinical features of HGSNAT-related conditions (PMID: 19479962). ClinVar contains an entry for this variant (Variation ID: 1020636). Advanced modeling of protein sequence and biophysical properties (such as structural, functional, and spatial information, amino acid conservation, physicochemical variation, residue mobility, and thermodynamic stability) performed at Invitae indicates that this missense variant is not expected to disrupt HGSNAT protein function. Experimental studies have shown that this missense change does not substantially affect HGSNAT function (PMID: 19823584, 20583299). In summary, the available evidence is currently insufficient to determine the role of this variant in disease. Therefore, it has been classified as a Variant of Uncertain Significance.

Natera, Inc.
Classification: Uncertain significance for Mucopolysaccharidosis type IIIC. Last evaluated: 2020-03-03. Review status: no assertion criteria provided. Collection method: clinical testing. Allele origin: germline. Not counted in ClinVar's aggregate classification.

Literature cited by the submitters: PubMed 19479962 (cited by Labcorp Genetics (formerly Invitae), Labcorp); PubMed 19823584 (cited by Labcorp Genetics (formerly Invitae), Labcorp); PubMed 20583299 (cited by Labcorp Genetics (formerly Invitae), Labcorp).